The following is an entry in ClinVar:

NM_007294.4(BRCA1):c.4903del (p.Glu1635fs)

Gene: BRCA1 (BRCA1 DNA repair associated; minus strand). Cytogenetic location: 17q21.31.
Variant type: Deletion.
Coding change: c.4903del on transcript NM_007294.4 (MANE Select); coding-DNA position 4903, one base deleted (G; older notation c.4903delG).
Protein change: p.Glu1635fs; shifts the reading frame from glutamic acid 1635.
Molecular consequence: frameshift variant. On other transcripts: non-coding transcript variant (1).
Genome position (GRCh38, 1-based): chr17:43,071,011, C deleted on the plus strand (G on the coding strand, the reverse complement: BRCA1 is on the minus strand); the first of 3 consecutive C bases (chr17:43,071,011-43,071,013); deleting any one gives the same sequence. VCF-style (leftmost placement, unchanged base first): chr17-43071010-TC-T. GRCh37 (hg19) VCF-style: chr17-41223027-TC-T.
Other names: c.4903delG (NM_007294.3); c.4688delG, p.Glu1564Argfs (NM_001407571.1, NM_001407894.1, NM_001407895.1 and 12 more transcripts); c.4967delG, p.Glu1657Argfs (NM_001407581.1, NM_001407582.1); c.4964delG, p.Glu1656Argfs (NM_001407583.1, NM_001407585.1, NM_001407587.1); c.4961delG, p.Glu1655Argfs (NM_001407590.1, NM_001407591.1); c.4901delG, p.Glu1635Argfs (NM_001407593.1, NM_001407594.1, NM_001407596.1 and 8 more transcripts); c.4898delG, p.Glu1634Argfs (NM_001407610.1, NM_001407611.1, NM_001407612.1 and 17 more transcripts); c.4895delG, p.Glu1633Argfs (NM_001407627.1, NM_001407628.1, NM_001407629.1 and 14 more transcripts); and 74 more; short protein forms E531fs, E1588fs, E1635fs, E1656fs.
Identifiers: ClinVar variation 433718 (VCV000433718.5), dbSNP rs1555580697, ClinGen allele CA645373142.

ClinVar aggregate classification (germline): Pathogenic. Review status: reviewed by expert panel (3 of 4 stars). 3 submissions from 3 submitters: Pathogenic (1). 2 of the submissions do not count toward it. Last evaluated 2017-12-15.

Conditions:
Hereditary cancer-predisposing syndrome. Also called: Neoplastic Syndromes, Hereditary; Hereditary neoplastic syndrome; Tumor predisposition; Hereditary Cancer Syndrome. Identifiers: Orphanet 140162, MedGen C0027672, MeSH D009386, MONDO:0015356.
Malignant tumor of breast. Also called: Malignant breast neoplasm; Cancer breast. Identifiers: MedGen C0006142, MONDO:0007254. Disease mechanism: loss of function.
Breast-ovarian cancer, familial, susceptibility to, 1 (BROVCA1). Also called: BRCA1 Hereditary Breast and Ovarian Cancer; OVARIAN CANCER, SUSCEPTIBILITY TO. Identifiers: Orphanet 145, MedGen C2676676, MONDO:0011450, OMIM 604370. Disease mechanism: loss of function.

Submissions (3):

Evidence-based Network for the Interpretation of Germline Mutant Alleles (ENIGMA)
Classification: Pathogenic for Breast-ovarian cancer, familial, susceptibility to, 1. Last evaluated: 2017-12-15. Review status: reviewed by expert panel. Criteria: ENIGMA BRCA1/2 Classification Criteria (2017-06-29). Collection method: curation. Allele origin: germline. Study: ENIGMA.
Comment: Variant allele predicted to encode a truncated non-functional protein.

Ambry Genetics
Classification: Pathogenic for Hereditary cancer-predisposing syndrome. Last evaluated: 2016-06-20. Review status: criteria provided, single submitter. Criteria: Ambry Variant Classification Scheme 2023. Collection method: clinical testing. Allele origin: germline. Not counted in ClinVar's aggregate classification.
Comment: The c.4903delG pathogenic mutation, located in coding exon 14 of the BRCA1 gene, results from a deletion of one nucleotide at nucleotide position 4903, causing a translational frameshift with a predicted alternate stop codon. This alteration is expected to result in loss of function by premature protein truncation or nonsense-mediated mRNA decay. As such, this alteration is interpreted as a disease-causing mutation.

Department of Pathology and Laboratory Medicine, Sinai Health System
Classification: Pathogenic for Malignant tumor of breast. Review status: no assertion criteria provided. Collection method: clinical testing. Allele origin: unknown. Affected: yes. Observed: 1 variant allele. Study: The Canadian Open Genetics Repository (COGR). Not counted in ClinVar's aggregate classification.
Comment: The BRCA1 p.Glu1635ArgfsX5 deletion variant was not identified in the literature, nor was it identified in the dbSNP, HGMD, LOVD, COSMIC, UMD, or BIC databases. The p.Glu1635ArgfsX5 deletion variant is predicted to cause a frameshift, which alters the protein's amino acid sequence beginning at codon 1635 and leads to a premature stop codon 5 codons downstream. This alteration is then predicted to result in a truncated or absent protein and loss of function. Loss of function variants of the BRCA1 gene are an established mechanism of disease in hereditary breast and ovarian cancer and is the type of variant expected to cause the disorder. In summary, based on the above information, this variant meets our laboratoryâ€šÃ„Ã´s criteria to be classified as pathogenic.